The following is an entry in ClinVar:

NM_024675.4(PALB2):c.1200A>C (p.Glu400Asp)

Gene: PALB2 (partner and localizer of BRCA2; minus strand). Cytogenetic location: 16p12.2.
Variant type: single nucleotide variant.
Coding change: c.1200A>C on transcript NM_024675.4 (MANE Select); coding-DNA position 1200, A replaced by C.
Protein change: p.Glu400Asp; replaces glutamic acid 400 with aspartic acid.
Molecular consequence: missense variant. On other transcripts: intron variant (3).
Genome position (GRCh38, 1-based): chr16:23,635,346, T>G on the plus strand (A>C on the coding strand, the complement: PALB2 is on the minus strand). VCF-style: chr16-23635346-T-G. GRCh37 (hg19) VCF-style: chr16-23646667-T-G.
Other names: c.1140A>C, p.Glu380Asp (NM_001407296.1); c.1200A>C, p.Glu400Asp (NM_001407297.1, NM_001407298.1, NM_001407299.1 and 3 more transcripts); c.315A>C, p.Glu105Asp (NM_001407304.1, NM_001407305.1, NM_001407306.1 and 5 more transcripts); c.48+5764A>C (NM_001407314.1); c.-104-4877A>C (NM_001407313.1, NM_001407312.1); short protein forms E105D, E400D, E380D.
Identifiers: ClinVar variation 2759075 (VCV002759075.3), dbSNP rs1966985747, ClinGen allele CA395133234.
Genomic context (GRCh38, chr16:23,635,346, plus strand): 5'-CTGGCAATTGGACATGCTTCGTGTTGTTCTAACATAATATTCTGCAGGAAACAGAAGGCC[T>G]TCAGGCACTGTGCAAGAATGTTTTTCTGCAGAAAGAGGAGAGGTTGCTTCCAGGCTAAGA-3'
Protein context (NP_078951.2, residues 390-410): SAEKHSCTVP[Glu400Asp]GLLFPAEYYV

ClinVar aggregate classification (germline): Uncertain significance (1 of 4 stars; one submission).

Conditions:
Familial cancer of breast. Also called: Hereditary breast cancer; BREAST CANCER, FAMILIAL; hereditary breast carcinoma. Identifiers: Orphanet 227535, MedGen C0346153, MONDO:0016419, OMIM 114480. Disease mechanism: loss of function.

Submission:

Labcorp Genetics (formerly Invitae), Labcorp
Classification: Uncertain significance for Familial cancer of breast. Last evaluated: 2023-09-08. Review status: criteria provided, single submitter. Criteria: Invitae Variant Classification Sherloc (09022015). Collection method: clinical testing. Allele origin: germline.
Comment: This sequence change replaces glutamic acid, which is acidic and polar, with aspartic acid, which is acidic and polar, at codon 400 of the PALB2 protein (p.Glu400Asp). In summary, the available evidence is currently insufficient to determine the role of this variant in disease. Therefore, it has been classified as a Variant of Uncertain Significance. Advanced modeling of protein sequence and biophysical properties (such as structural, functional, and spatial information, amino acid conservation, physicochemical variation, residue mobility, and thermodynamic stability) performed at Invitae indicates that this missense variant is not expected to disrupt PALB2 protein function. This variant has not been reported in the literature in individuals affected with PALB2-related conditions. This variant is not present in population databases (gnomAD no frequency).